The following is an entry in ClinVar:

NM_032130.3(FAM186B):c.1498T>C (p.Trp500Arg)

Gene: FAM186B (family with sequence similarity 186 member B; minus strand). Cytogenetic location: 12q13.12.
Variant type: single nucleotide variant.
Coding change: c.1498T>C on transcript NM_032130.3 (MANE Select); coding-DNA position 1498, T replaced by C.
Protein change: p.Trp500Arg; replaces tryptophan 500 with arginine.
Molecular consequence: missense variant. On other transcripts: non-coding transcript variant (1).
Genome position (GRCh38, 1-based): chr12:49,600,142, A>G on the plus strand (T>C on the coding strand, the complement: FAM186B is on the minus strand). VCF-style: chr12-49600142-A-G. GRCh37 (hg19) VCF-style: chr12-49993925-A-G.
Other names: short protein forms W500R.
Identifiers: ClinVar variation 3621794 (VCV003621794.2).
Genomic context (GRCh38, chr12:49,600,142, plus strand): 5'-GCCGCAGCTTCTCCTGATGCTCCTGCTCCAGCAGGGCCCACTTCTTCTGCCGCTGCTGCC[A>G]CATCTCCTCCTCCTCCAGCCACAGCTGCCTCCGCATCTCCCGGCCGAATTCCTCCTCCCA-3'
Protein context (NP_115506.1, residues 490-510): RQLWLEEEEM[Trp500Arg]QQRQKKWALL

ClinVar aggregate classification (germline): Uncertain significance (1 of 4 stars; one submission).

Submission:

Labcorp Genetics (formerly Invitae), Labcorp
Classification: Uncertain significance. Last evaluated: 2024-03-16. Review status: criteria provided, single submitter. Criteria: Invitae Variant Classification Sherloc (09022015). Collection method: clinical testing. Allele origin: germline.
Comment: This sequence change replaces tryptophan, which is neutral and slightly polar, with arginine, which is basic and polar, at codon 500 of the FAM186B protein (p.Trp500Arg). This variant is present in population databases (no rsID available, gnomAD no frequency). This variant has not been reported in the literature in individuals affected with FAM186B-related conditions. An algorithm developed to predict the effect of missense changes on protein structure and function (PolyPhen-2) suggests that this variant is likely to be disruptive. In summary, the available evidence is currently insufficient to determine the role of this variant in disease. Therefore, it has been classified as a Variant of Uncertain Significance.